The following is an entry in ClinVar:

NM_013275.6(ANKRD11):c.4619_4620del (p.Lys1540fs)

Gene: ANKRD11 (ankyrin repeat domain 11; minus strand). Cytogenetic location: 16q24.3.
Variant type: Deletion.
Coding change: c.4619_4620del on transcript NM_013275.6 (MANE Select); coding-DNA positions 4619 to 4620, 2 bases deleted (AA; older notation c.4619_4620delAA).
Protein change: p.Lys1540fs; shifts the reading frame from lysine 1540.
Molecular consequence: frameshift variant.
Genome position (GRCh38, 1-based): chr16:89,281,922-89,281,923, TT deleted on the plus strand (AA on the coding strand, the reverse complement: ANKRD11 is on the minus strand); deleting any 2 consecutive bases within chr16:89,281,922-89,281,924 gives the same sequence; the c. name uses the placement nearest the transcript's 3' end. VCF-style (leftmost placement, unchanged base first): chr16-89281921-CTT-C. GRCh37 (hg19) VCF-style: chr16-89348329-CTT-C.
Other names: c.4619_4620del, p.Lys1540fs (NM_001256182.2, NM_001256183.2); short protein forms K1540fs.
Identifiers: ClinVar variation 2254630 (VCV002254630.8), dbSNP rs2544231858, ClinGen allele CA2580092255.

ClinVar aggregate classification (germline): Pathogenic. Review status: criteria provided, multiple submitters, no conflicts (2 of 4 stars). 2 submissions from 2 submitters: Pathogenic (2). Last evaluated 2026-07-16.

Conditions:
KBG syndrome (KBGS). Also called: ANKRD11-Related KBG Syndrome. Identifiers: Orphanet 2332, MedGen C0220687, MONDO:0007846, OMIM 148050.
Inborn genetic diseases. Identifiers: MedGen C0950123, MeSH D030342.

Submissions (2):

Ambry Genetics
Classification: Pathogenic for Inborn genetic diseases. Last evaluated: 2026-07-16. Review status: criteria provided, single submitter. Criteria: Ambry Variant Classification Scheme 2023. Collection method: clinical testing. Allele origin: germline.
Comment: The c.4619_4620delAA (p.K1540Rfs*13) alteration, located in exon 9 (coding exon 7) of the ANKRD11 gene, consists of a deletion of 2 nucleotides from position 4619 to 4620, causing a translational frameshift with a predicted alternate stop codon after 13 amino acids. This alteration is expected to result in loss of function by premature protein truncation or nonsense-mediated mRNA decay. This variant was not reported in population-based cohorts in the Genome Aggregation Database (gnomAD). Based on the available evidence, this alteration is classified as pathogenic.

Institute of Human Genetics Munich, TUM University Hospital
Classification: Pathogenic for KBG syndrome. Last evaluated: 2024-10-15. Review status: criteria provided, single submitter. Criteria: Classification criteria August 2017. Collection method: clinical testing. Allele origin: de novo. Inheritance: Autosomal dominant inheritance. Affected: yes. Observed: 1 variant allele.